The following is an entry in ClinVar:

NM_020987.5(ANK3):c.5773GAG[1] (p.Glu1926del)

Gene: ANK3 (ankyrin 3; minus strand). Cytogenetic location: 10q21.2.
Variant type: Microsatellite.
Coding change: c.5773GAG[1] on transcript NM_020987.5 (MANE Select); one copy of the 3-base unit GAG starting at c.5773; the reference has two copies in a row; one copy, 3 bases deleted; also written c.5776_5778del.
Protein change: p.Glu1926del; deletes glutamic acid 1926.
Molecular consequence: inframe deletion. On other transcripts: intron variant (4).
Genome position (GRCh38, 1-based): chr10:60,075,103-60,075,105, CTC deleted on the plus strand (GAG on the coding strand, the reverse complement: ANK3 is on the minus strand); deleting any 3 consecutive bases within chr10:60,075,103-60,075,108 gives the same sequence; the position shown is the placement nearest the transcript's 3' end. VCF-style (leftmost placement, unchanged base first): chr10-60075102-TCTC-T. GRCh37 (hg19) VCF-style: chr10-61834860-TCTC-T.
Other names: c.4387+5432_4387+5434del (NM_001204403.2); c.4408+5432_4408+5434del (NM_001204404.2); c.4405+5432_4405+5434del (NM_001320874.2); c.1807+5432_1807+5434del (NM_001149.4); c.5776_5778delGAG (NM_020987.3, NM_020987.4); c.5776_5778del (NM_020987.5, NM_020987.3); short protein forms E1926del.
Identifiers: ClinVar variation 1338476 (VCV001338476.13), dbSNP rs764632652, ClinGen allele CA5511956.
Genomic context (GRCh38, chr10:60,075,102, plus strand): 5'-TTTTGAAAGGTTCTTCATCATCTATTCTCCCTTCCTTTGGGAGTTCAGGTTGGAATGGCT[TCTC>T]CTCAGGCACATCTGTCTGTAGTATTGCGGTCATCCGCATTAGGTCCTCTTTCATTTCAGC-3'

ClinVar aggregate classification (germline): Conflicting classifications of pathogenicity. Review status: criteria provided, conflicting classifications (1 of 4 stars). 7 submissions from 7 submitters: Uncertain significance (6); Likely benign (1). Last evaluated 2026-02-18.

Conditions:
Inborn genetic diseases. Identifiers: MedGen C0950123, MeSH D030342.
Intellectual developmental disorder, autosomal recessive 37. Also called: Intellectual disability-hypotonia-spasticity-sleep disorder syndrome. Identifiers: Orphanet 356996, MedGen C3809672, MONDO:0014210, OMIM 615493.
ANK3-related disorder. Also called: ANK3-related condition.

Submissions (7):

GeneDx
Classification: Uncertain significance. Last evaluated: 2026-02-18. Review status: criteria provided, single submitter. Criteria: GeneDx Variant Classification Process June 2021. Collection method: clinical testing. Allele origin: germline.
Comment: Observed in both affected and unaffected individuals with a family with mood disorders (PMID: 33729739); In-frame deletion of 1 amino acid in a non-repeat region; In silico analysis supports a deleterious effect on protein structure/function; This variant is associated with the following publications: (PMID: 33729739)

PreventionGenetics, part of Exact Sciences
Classification: Uncertain significance for ANK3-related condition. Last evaluated: 2026-01-07. Review status: criteria provided, single submitter. Criteria: ACMG Guidelines, 2015. Collection method: clinical testing. Allele origin: germline.
Comment: The ANK3 c.5776_5778delGAG variant is predicted to result in an in-frame deletion (p.Glu1926del). To our knowledge, this variant has not been reported in the literature. This variant is reported in 0.13% of alleles in individuals of European (Finnish) descent in gnomAD. At this time, the clinical significance of this variant is uncertain due to the absence of conclusive functional and genetic evidence.

Labcorp Genetics (formerly Invitae), Labcorp
Classification: Uncertain significance. Last evaluated: 2025-08-26. Review status: criteria provided, single submitter. Criteria: Invitae Variant Classification Sherloc (09022015). Collection method: clinical testing. Allele origin: germline.
Comment: This variant, c.5776_5778del, results in the deletion of 1 amino acid(s) of the ANK3 protein (p.Glu1926del), but otherwise preserves the integrity of the reading frame. This variant is present in population databases (rs764632652, gnomAD 0.1%), and has an allele count higher than expected for a pathogenic variant. This variant has not been reported in the literature in individuals affected with ANK3-related conditions. ClinVar contains an entry for this variant (Variation ID: 1338476). Experimental studies and prediction algorithms are not available or were not evaluated, and the functional significance of this variant is currently unknown. In summary, the available evidence is currently insufficient to determine the role of this variant in disease. Therefore, it has been classified as a Variant of Uncertain Significance.

Ambry Genetics
Classification: Likely benign for Inborn genetic diseases. Last evaluated: 2024-07-25. Review status: criteria provided, single submitter. Criteria: Ambry Variant Classification Scheme 2023. Collection method: clinical testing. Allele origin: germline.

Daryl Scott Lab, Baylor College of Medicine
Classification: Uncertain significance for Intellectual developmental disorder, autosomal recessive 37. Last evaluated: 2023-11-10. Review status: criteria provided, single submitter. Criteria: ACMG Guidelines, 2015. Collection method: clinical testing. Allele origin: biparental.

Fulgent Genetics
Classification: Uncertain significance for Intellectual developmental disorder, autosomal recessive 37. Last evaluated: 2021-09-16. Review status: criteria provided, single submitter. Criteria: ACMG Guidelines, 2015. Collection method: clinical testing. Allele origin: unknown.

Genetic Services Laboratory, University of Chicago
Classification: Uncertain significance. Last evaluated: 2019-01-14. Review status: criteria provided, single submitter. Criteria: ACMG Guidelines, 2015. Collection method: clinical testing. Allele origin: germline. Affected: no.